The following is an entry in ClinVar:

ClinVar aggregate classification (germline): Uncertain significance (1 of 4 stars; one submission).

Submission:

OLLIN Analises Genomicas, OLLIN
Classification: Uncertain significance. Last evaluated: 2026-08-06. Review status: criteria provided, single submitter. Criteria: ACMG Guidelines 2015 PMID 25741868. Collection method: clinical testing. Allele origin: germline.
Comment: This missense variant, located in exon 1 (of 9), is absent from gnomAD and ClinVar and has not been identified in the literature. In silico analysis predicts that this variant has a tolerated effect. According to the currently available evidence, this variant has been classified as uncertain significance (PM2_P, BP4_M).

NM_005765.3(ATP6AP2):c.13G>A (p.Val5Ile)

Genes: ATP6AP2 (ATPase H+ transporting accessory protein 2; plus strand), LOC130068149 (ATAC-STARR-seq lymphoblastoid silent region 20763; plus strand). Cytogenetic location: Xp11.4.
Variant type: single nucleotide variant.
Coding change: c.13G>A on transcript NM_005765.3 (MANE Select); coding-DNA position 13, G replaced by A.
Protein change: p.Val5Ile; replaces valine 5 with isoleucine.
Molecular consequence: missense variant.
Genome position (GRCh38, 1-based): chrX:40,581,078, G>A. VCF-style: chrX-40581078-G-A. GRCh37 (hg19) VCF-style: chrX-40440330-G-A.
Other names: short protein forms V5I.
Identifiers: ClinVar variation 5003086 (VCV005003086.1).